The following is an entry in ClinVar:

NM_021076.4(NEFH):c.1965_1988del (p.Glu658_Lys665del)

Gene: NEFH (neurofilament heavy chain; plus strand). Cytogenetic location: 22q12.2.
Variant type: Deletion.
Coding change: c.1965_1988del on transcript NM_021076.4 (MANE Select); coding-DNA positions 1965 to 1988, 24 bases deleted (AGAGAAGGAAGAGGCCAAGTCCCC).
Protein change: p.Glu658_Lys665del.
Molecular consequence: inframe deletion.
Genome position (GRCh38, 1-based): chr22:29,489,605-29,489,628, AGAGAAGGAAGAGGCCAAGTCCCC deleted; deleting any 24 consecutive bases within chr22:29,489,592-29,489,628 gives the same sequence; the c. name uses the placement nearest the transcript's 3' end. VCF-style (leftmost placement, unchanged base first): chr22-29489591-AAGGCCAAGTCCCCAGAGAAGGAAG-A. GRCh37 (hg19) VCF-style: chr22-29885580-AAGGCCAAGTCCCCAGAGAAGGAAG-A.
Identifiers: ClinVar variation 66735 (VCV000066735.23), dbSNP rs267607533, ClinGen allele CA217644.
Genomic context (GRCh38, chr22:29,489,591, plus strand): 5'-GAGGTCAAGTCCCCGGAAAAGGCCAAGTCTCCAACGAAGGAGGAAGCAAAGTCCCCTGAG[AAGGCCAAGTCCCCAGAGAAGGAAG>A]AGGCCAAGTCCCCTGAGAAGGCCAAGTCCCCAGTGAAGGCAGAAGCAAAGTCCCCTGAGA-3'

ClinVar aggregate classification (germline): Benign/Likely benign. Review status: criteria provided, multiple submitters, no conflicts (2 of 4 stars). 5 submissions from 5 submitters: Benign (1); Likely benign (2). 2 of the submissions do not count toward it. Last evaluated 2026-09-01.

Conditions:
NEFH-related disorder. Also called: NEFH-related condition.
Inborn genetic diseases. Identifiers: MedGen C0950123, MeSH D030342.

Submissions (5):

CeGaT Center for Human Genetics Tuebingen
Classification: Likely benign. Last evaluated: 2026-09-01. Review status: criteria provided, single submitter. Criteria: CeGaT Center For Human Genetics Tuebingen Variant Classification Criteria Version 2. Collection method: clinical testing. Allele origin: germline. Affected: yes. Observed: 12 variant alleles.
Comment: NEFH: PM4, BS1

Labcorp Genetics (formerly Invitae), Labcorp
Classification: Benign. Last evaluated: 2025-10-23. Review status: criteria provided, single submitter. Criteria: Invitae Variant Classification Sherloc (09022015). Collection method: clinical testing. Allele origin: germline.

Ambry Genetics
Classification: Likely benign for Inborn genetic diseases. Last evaluated: 2016-03-09. Review status: criteria provided, single submitter. Criteria: Ambry exome assertion method (8-5-2015). Collection method: clinical testing. Allele origin: germline. Affected: yes. Observed: 1 variant allele.

PreventionGenetics, part of Exact Sciences
Classification: Likely benign for NEFH-related condition. Last evaluated: 2022-12-07. Review status: no assertion criteria provided. Collection method: clinical testing. Allele origin: germline. Not counted in ClinVar's aggregate classification.
Comment: This variant is classified as likely benign based on ACMG/AMP sequence variant interpretation guidelines (Richards et al. 2015 PMID: 25741868, with internal and published modifications).

Epithelial Biology;  Institute of Medical Biology, Singapore
No classification provided. Review status: no classification provided. Collection method: not provided. Allele origin: not provided. Not counted in ClinVar's aggregate classification.